The following is an entry in ClinVar:

ClinVar aggregate classification (germline): Uncertain significance. Review status: criteria provided, multiple submitters, no conflicts (2 of 4 stars). 4 submissions from 4 submitters: Uncertain significance (4). Last evaluated 2025-10-28.

Conditions:
Cardiovascular phenotype. Identifiers: MedGen CN230736.
Arrhythmogenic right ventricular dysplasia 11. Also called: ARRHYTHMOGENIC RIGHT VENTRICULAR DYSPLASIA, FAMILIAL, 11; Arrhythmogenic Right Ventricular Dysplasia/Cardiomyopathy11; Arrhythmogenic right ventricular dysplasia 11 with mild palmoplantar keratoderma and woolly hair. Identifiers: MedGen C1864850, MONDO:0012506, OMIM 610476.
Familial isolated arrhythmogenic right ventricular dysplasia. Identifiers: Orphanet 217656, MedGen C4274968, MONDO:0016342.
Cardiomyopathy (CMYO). Also called: Cardiomyopathies. Identifiers: Orphanet 167848, MedGen C0878544, MONDO:0004994, HP:0001638. Inheritance: Various modes of inheritance.

Allele frequency attached by ClinVar (database versions not stated): gnomAD exomes 0.00001 and 0.00002; ExAC 0.00001.
gnomAD v4.1: 31 of 1,613,924 alleles (0.0019%); highest among the groups gnomAD compares: Non-Finnish European, 0.0026%; no homozygotes.

Submissions (4):

Labcorp Genetics (formerly Invitae), Labcorp
Classification: Uncertain significance for Arrhythmogenic right ventricular dysplasia 11. Last evaluated: 2025-10-28. Review status: criteria provided, single submitter. Criteria: Invitae Variant Classification Sherloc (09022015). Collection method: clinical testing. Allele origin: germline.
Comment: This sequence change replaces proline, which is neutral and non-polar, with leucine, which is neutral and non-polar, at codon 587 of the DSC2 protein (p.Pro587Leu). This variant is present in population databases (rs761123301, gnomAD 0.002%). This variant has not been reported in the literature in individuals affected with DSC2-related conditions. ClinVar contains an entry for this variant (Variation ID: 921292). Invitae Evidence Modeling of protein sequence and biophysical properties (such as structural, functional, and spatial information, amino acid conservation, physicochemical variation, residue mobility, and thermodynamic stability) indicates that this missense variant is not expected to disrupt DSC2 protein function with a negative predictive value of 80%. In summary, the available evidence is currently insufficient to determine the role of this variant in disease. Therefore, it has been classified as a Variant of Uncertain Significance.

Color Diagnostics, LLC DBA Color Health
Classification: Uncertain significance for Cardiomyopathy. Last evaluated: 2024-08-12. Review status: criteria provided, single submitter. Criteria: ACMG Guidelines, 2015. Collection method: clinical testing. Allele origin: germline.
Comment: This missense variant replaces proline with leucine at codon 587 of the DSC2 protein. Computational prediction suggests that this variant may not impact protein structure and function. To our knowledge, functional studies have not been reported for this variant. This variant has not been reported in individuals affected with DSC2-related disorders in the literature. This variant has been identified in 2/251060 chromosomes in the general population by the Genome Aggregation Database (gnomAD). The available evidence is insufficient to determine the role of this variant in disease conclusively. Therefore, this variant is classified as a Variant of Uncertain Significance.

All of Us Research Program, National Institutes of Health
Classification: Uncertain significance for Familial isolated arrhythmogenic right ventricular dysplasia. Last evaluated: 2024-03-05. Review status: criteria provided, single submitter. Criteria: ACMG Guidelines, 2015. Collection method: clinical testing. Allele origin: germline. Inheritance: Autosomal dominant inheritance. Observed: 2 variant alleles, 2 heterozygotes.
Comment: This missense variant replaces proline with leucine at codon 587 of the DSC2 protein. Computational prediction tool suggests that this variant may not impact protein structure and function (internally defined REVEL score threshold <=0.5, PMID: 27666373). Splice site prediction tools suggest that this variant may not impact RNA splicing. To our knowledge, functional studies have not been performed for this variant. This variant has not been reported in individuals affected with cardiovascular disorders in the literature. This variant has been identified in 2/251060 chromosomes in the general population by the Genome Aggregation Database (gnomAD). The available evidence is insufficient to determine the role of this variant in disease conclusively. Therefore, this variant is classified as a Variant of Uncertain Significance.

This study involves interpretation of variants in research participants for the purpose of population health screening. Participant phenotype was not available at the time of variant classification. Additional details can be found in publication PMID: 35346344, PMCID: PMC8962531

Ambry Genetics
Classification: Uncertain significance for Cardiovascular phenotype. Last evaluated: 2022-02-08. Review status: criteria provided, single submitter. Criteria: Ambry Variant Classification Scheme 2023. Collection method: clinical testing. Allele origin: germline.
Comment: The p.P587L variant (also known as c.1760C>T), located in coding exon 12 of the DSC2 gene, results from a C to T substitution at nucleotide position 1760. The proline at codon 587 is replaced by leucine, an amino acid with similar properties. This amino acid position is conserved. In addition, this alteration is predicted to be tolerated by in silico analysis. Since supporting evidence is limited at this time, the clinical significance of this alteration remains unclear.

NM_024422.6(DSC2):c.1760C>T (p.Pro587Leu)

Gene: DSC2 (desmocollin 2; minus strand). Cytogenetic location: 18q12.1.
Variant type: single nucleotide variant.
Coding change: c.1760C>T on transcript NM_024422.6 (MANE Select); coding-DNA position 1760, C replaced by T.
Protein change: p.Pro587Leu; replaces proline 587 with leucine.
Molecular consequence: missense variant.
Genome position (GRCh38, 1-based): chr18:31,074,811, G>A on the plus strand (C>T on the coding strand, the complement: DSC2 is on the minus strand). VCF-style: chr18-31074811-G-A. GRCh37 (hg19) VCF-style: chr18-28654777-G-A.
Other names: c.1760C>T, p.Pro587Leu (NM_004949.5); short protein forms P587L.
Identifiers: ClinVar variation 921292 (VCV000921292.10), dbSNP rs761123301, ClinGen allele CA033164.
Genomic context (GRCh38, chr18:31,074,811, plus strand): 5'-GGTGGGCCATGGATAGGCTCATCAGGATCAACCGCAACAATCTCCGCAGATGACATGGTG[G>A]GTTTGCAGATGATCACTGTCTTTTTAGGTATGAATGGGCTGTTATCATTCACGTCTTGAA-3'
Protein context (NP_077740.1, residues 577-597): IPKKTVIICK[Pro587Leu]TMSSAEIVAV